The following is an entry in ClinVar:

NM_006949.4(STXBP2):c.1469G>A (p.Arg490Gln)

Gene: STXBP2 (syntaxin binding protein 2; plus strand). Cytogenetic location: 19p13.2.
Variant type: single nucleotide variant.
Coding change: c.1469G>A on transcript NM_006949.4 (MANE Select); coding-DNA position 1469, G replaced by A.
Protein change: p.Arg490Gln; replaces arginine 490 with glutamine.
Molecular consequence: missense variant. On other transcripts: non-coding transcript variant (1).
Genome position (GRCh38, 1-based): chr19:7,647,178, G>A. VCF-style: chr19-7647178-G-A. GRCh37 (hg19) VCF-style: chr19-7712064-G-A.
Other names: c.1460G>A, p.Arg487Gln (NM_001127396.3); c.1502G>A, p.Arg501Gln (NM_001272034.2); c.1469G>A (NM_006949.2); short protein forms R487Q, R490Q, R501Q.
Identifiers: ClinVar variation 1036916 (VCV001036916.10), dbSNP rs189009033, ClinGen allele CA9144199.
Genomic context (GRCh38, chr19:7,647,178, plus strand): 5'-CCCATGCCTGGGGTTCCTCCCCTAACCTGCCTCTCGGCCGCCAGGACGCCGTGGAGGACC[G>A]GCTGGACAGGAACCTGTGGCCCTTCGTATCCGACCCCGCCCCCACGGCCAGCTCCCAGGC-3'
Protein context (NP_008880.2, residues 480-500): KDVMEDAVED[Arg490Gln]LDRNLWPFVS

ClinVar aggregate classification (germline): Uncertain significance. Review status: criteria provided, multiple submitters, no conflicts (2 of 4 stars). 3 submissions from 3 submitters: Uncertain significance (3). Last evaluated 2025-06-18.

Conditions:
Inborn genetic diseases. Identifiers: MedGen C0950123, MeSH D030342.
Familial hemophagocytic lymphohistiocytosis 5. Also called: STXBP2-Related Familial Hemophagocytic Lymphohistiocytosis (STXBP2-fHLH). Identifiers: Orphanet 540, MedGen C2751293, MONDO:0013135, OMIM 613101.

Allele frequency attached by ClinVar (database versions not stated): gnomAD 0.00001 and 0.00003; gnomAD exomes 0.00002 and 0.00007; TOPMed 0.00003; ExAC 0.00010; 1000 Genomes Project 30x 0.00016; 1000 Genomes Project 0.00020.

Submissions (3):

Ambry Genetics
Classification: Uncertain significance for Inborn genetic diseases. Last evaluated: 2025-06-18. Review status: criteria provided, single submitter. Criteria: Ambry Variant Classification Scheme 2023. Collection method: clinical testing. Allele origin: germline.

Blueprint Genetics
Classification: Uncertain significance. Last evaluated: 2023-03-10. Review status: criteria provided, single submitter. Criteria: ACMG Guidelines, 2015. Collection method: clinical testing. Allele origin: germline.

Labcorp Genetics (formerly Invitae), Labcorp
Classification: Uncertain significance for Familial hemophagocytic lymphohistiocytosis 5. Last evaluated: 2022-05-26. Review status: criteria provided, single submitter. Criteria: Invitae Variant Classification Sherloc (09022015). Collection method: clinical testing. Allele origin: germline.
Comment: This sequence change replaces arginine, which is basic and polar, with glutamine, which is neutral and polar, at codon 490 of the STXBP2 protein (p.Arg490Gln). This variant is present in population databases (rs189009033, gnomAD 0.03%). This variant has not been reported in the literature in individuals affected with STXBP2-related conditions. ClinVar contains an entry for this variant (Variation ID: 1036916). Algorithms developed to predict the effect of missense changes on protein structure and function (SIFT, PolyPhen-2, Align-GVGD) all suggest that this variant is likely to be tolerated. In summary, the available evidence is currently insufficient to determine the role of this variant in disease. Therefore, it has been classified as a Variant of Uncertain Significance.